The following is an entry in ClinVar:

ClinVar aggregate classification (germline): Likely benign. Review status: criteria provided, single submitter (1 of 4 stars). 2 submissions from 2 submitters: Likely benign (1). 1 of the submissions does not count toward it. Last evaluated 2025-12-01.

Conditions:
Bardet-Biedl syndrome (BBS). Identifiers: Orphanet 110, MedGen C0752166, MONDO:0015229.
BBS12-related disorder. Also called: BBS12-related condition.

Allele frequency attached by ClinVar (database versions not stated): gnomAD exomes below 0.00001; TOPMed below 0.00001.
gnomAD v4.1: 1 of 1,614,242 alleles (0.000062%); highest among the groups gnomAD compares: Admixed American, 0.0017%; no homozygotes.

Submissions (2):

Labcorp Genetics (formerly Invitae), Labcorp
Classification: Likely benign for Bardet-Biedl syndrome. Last evaluated: 2025-12-01. Review status: criteria provided, single submitter. Criteria: Invitae Variant Classification Sherloc (09022015). Collection method: clinical testing. Allele origin: germline.

PreventionGenetics, part of Exact Sciences
Classification: Likely benign for BBS12-related condition. Last evaluated: 2022-01-19. Review status: no assertion criteria provided. Collection method: clinical testing. Allele origin: germline. Not counted in ClinVar's aggregate classification.
Comment: This variant is classified as likely benign based on ACMG/AMP sequence variant interpretation guidelines (Richards et al. 2015 PMID: 25741868, with internal and published modifications).

NM_152618.3(BBS12):c.642A>T (p.Arg214=)

Gene: BBS12 (Bardet-Biedl syndrome 12; plus strand). Cytogenetic location: 4q27.
Variant type: single nucleotide variant.
Coding change: c.642A>T on transcript NM_152618.3 (MANE Select); coding-DNA position 642, A replaced by T.
Protein change: p.Arg214=; no amino-acid change (arginine 214 retained).
Molecular consequence: synonymous variant.
Genome position (GRCh38, 1-based): chr4:122,742,534, A>T. VCF-style: chr4-122742534-A-T. GRCh37 (hg19) VCF-style: chr4-123663689-A-T.
Other names: c.642A>T, p.Arg214= (NM_001178007.2); c.642A>T (NM_152618.2).
Identifiers: ClinVar variation 1576095 (VCV001576095.9), dbSNP rs1297157123, ClinGen allele CA441120544.